The following is an entry in ClinVar:

ClinVar aggregate classification (germline): Uncertain significance (1 of 4 stars; one submission).

Conditions:
Primary familial hypertrophic cardiomyopathy (HCM). Identifiers: Orphanet 99739, MedGen C0949658, MeSH D024741, MONDO:0024573. Inheritance: Various modes of inheritance.
Dilated cardiomyopathy 1AA (CMD1AA). Also called: Cardiomyopathy, dilated, 1AA, with or without LVNC; CARDIOMYOPATHY, DILATED, 1AA, WITH OR WITHOUT LEFT VENTRICULAR NONCOMPACTION; CARDIOMYOPATHY, FAMILIAL HYPERTROPHIC, 23, WITH OR WITHOUT LEFT VENTRICULAR NONCOMPACTION. Identifiers: Orphanet 154, MedGen C2677338, MONDO:0012808, OMIM 612158.

gnomAD v4.1: 3 of 1,614,212 alleles (0.00019%); highest among the groups gnomAD compares: Non-Finnish European, 0.00025%; no homozygotes.

Submission:

Labcorp Genetics (formerly Invitae), Labcorp
Classification: Uncertain significance for Primary familial hypertrophic cardiomyopathy; Dilated cardiomyopathy 1AA. Last evaluated: 2024-02-12. Review status: criteria provided, single submitter. Criteria: Invitae Variant Classification Sherloc (09022015). Collection method: clinical testing. Allele origin: germline.
Comment: This sequence change replaces glutamine, which is neutral and polar, with arginine, which is basic and polar, at codon 426 of the ACTN2 protein (p.Gln426Arg). This variant is not present in population databases (gnomAD no frequency). This variant has not been reported in the literature in individuals affected with ACTN2-related conditions. Advanced modeling of protein sequence and biophysical properties (such as structural, functional, and spatial information, amino acid conservation, physicochemical variation, residue mobility, and thermodynamic stability) performed at Invitae indicates that this missense variant is not expected to disrupt ACTN2 protein function with a negative predictive value of 80%. In summary, the available evidence is currently insufficient to determine the role of this variant in disease. Therefore, it has been classified as a Variant of Uncertain Significance.

NM_001103.4(ACTN2):c.1277A>G (p.Gln426Arg)

Gene: ACTN2 (actinin alpha 2; plus strand). Cytogenetic location: 1q43.
Variant type: single nucleotide variant.
Coding change: c.1277A>G on transcript NM_001103.4 (MANE Select); coding-DNA position 1277, A replaced by G.
Protein change: p.Gln426Arg; replaces glutamine 426 with arginine.
Molecular consequence: missense variant. On other transcripts: non-coding transcript variant (1).
Genome position (GRCh38, 1-based): chr1:236,744,647, A>G. VCF-style: chr1-236744647-A-G. GRCh37 (hg19) VCF-style: chr1-236907947-A-G.
Other names: c.1277A>G, p.Gln426Arg (NM_001278343.2); short protein forms Q426R.
Identifiers: ClinVar variation 3763981 (VCV003763981.2).